The following is an entry in ClinVar:

NM_000018.4(ACADVL):c.1587G>T (p.Leu529Phe)

Gene: ACADVL (acyl-CoA dehydrogenase very long chain; plus strand). Cytogenetic location: 17p13.1.
Variant type: single nucleotide variant.
Coding change: c.1587G>T on transcript NM_000018.4 (MANE Select); coding-DNA position 1587, G replaced by T.
Protein change: p.Leu529Phe; replaces leucine 529 with phenylalanine.
Molecular consequence: missense variant.
Genome position (GRCh38, 1-based): chr17:7,224,375, G>T. VCF-style: chr17-7224375-G-T. GRCh37 (hg19) VCF-style: chr17-7127694-G-T.
Other names: c.1521G>T, p.Leu507Phe (NM_001033859.3); c.1656G>T, p.Leu552Phe (NM_001270447.2); c.1359G>T, p.Leu453Phe (NM_001270448.2); short protein forms L453F, L507F, L529F, L552F.
Identifiers: ClinVar variation 1455065 (VCV001455065.8), dbSNP rs2142987900, ClinGen allele CA397725432.

ClinVar aggregate classification (germline): Pathogenic (1 of 4 stars; one submission).

Conditions:
Very long chain acyl-CoA dehydrogenase deficiency (ACADVLD). Also called: VLCAD Deficiency; Very Long-Chain Acyl-Coenzyme A Dehydrogenase Deficiency. Identifiers: Orphanet 26793, MedGen C3887523, MONDO:0008723, OMIM 201475.

Submission:

Labcorp Genetics (formerly Invitae), Labcorp
Classification: Pathogenic for Very long chain acyl-CoA dehydrogenase deficiency. Last evaluated: 2023-07-24. Review status: criteria provided, single submitter. Criteria: Invitae Variant Classification Sherloc (09022015). Collection method: clinical testing. Allele origin: germline.
Comment: This variant is not present in population databases (gnomAD no frequency). For these reasons, this variant has been classified as Pathogenic. Advanced modeling of protein sequence and biophysical properties (such as structural, functional, and spatial information, amino acid conservation, physicochemical variation, residue mobility, and thermodynamic stability) performed at Invitae indicates that this missense variant is expected to disrupt ACADVL protein function. ClinVar contains an entry for this variant (Variation ID: 1455065). This missense change has been observed in individual(s) with very long chain acyl-CoA dehydrogenase deficiency (Invitae). In at least one individual the data is consistent with being in trans (on the opposite chromosome) from a pathogenic variant. It has also been observed to segregate with disease in related individuals. This sequence change replaces leucine, which is neutral and non-polar, with phenylalanine, which is neutral and non-polar, at codon 529 of the ACADVL protein (p.Leu529Phe).